The following is an entry in ClinVar:

NM_153026.3(PRICKLE1):c.480G>A (p.Thr160=)

Gene: PRICKLE1 (prickle planar cell polarity protein 1; minus strand). Cytogenetic location: 12q12.
Variant type: single nucleotide variant.
Coding change: c.480G>A on transcript NM_153026.3 (MANE Select); coding-DNA position 480, G replaced by A.
Protein change: p.Thr160=; no amino-acid change (threonine 160 retained).
Molecular consequence: synonymous variant.
Genome position (GRCh38, 1-based): chr12:42,468,734, C>T on the plus strand (G>A on the coding strand, the complement: PRICKLE1 is on the minus strand). VCF-style: chr12-42468734-C-T. GRCh37 (hg19) VCF-style: chr12-42862536-C-T.
Other names: c.480G>A, p.Thr160= (NM_001144881.2, NM_001144882.2, NM_001144883.2).
Identifiers: ClinVar variation 469512 (VCV000469512.12), dbSNP rs376385820, ClinGen allele CA6519901.
Genomic context (GRCh38, chr12:42,468,734, plus strand): 5'-GCCACAGTGAATTTTTCCATCCTGATAAAAATAGATGAGGTCGACCAGCAGCTCATTACA[C>T]GTGAAACAGACAAAACAGGATGGGTGCCAGCACACACCAGGGCCCGCACGGGAGGCGAAC-3'
Protein context (NP_694571.2, residues 150-170): CWHPSCFVCF[Thr160=]CNELLVDLIY

ClinVar aggregate classification (germline): Likely benign. Review status: criteria provided, multiple submitters, no conflicts (2 of 4 stars). 2 submissions from 2 submitters: Likely benign (2). Last evaluated 2025-06-18.

Conditions:
Epilepsy, progressive myoclonic, 1B. Also called: PME. Identifiers: Orphanet 308, MedGen C2676254, MONDO:0012904, OMIM 612437.

Allele frequency attached by ClinVar (database versions not stated): ExAC 0.00002; ESP Exome Variant Server 0.00008; gnomAD 0.00011 and 0.00012; TOPMed 0.00015.
gnomAD v4.1: 107 of 1,614,120 alleles (0.0066%); highest among the groups gnomAD compares: Admixed American, 0.018%; no homozygotes.

Submissions (3):

Labcorp Genetics (formerly Invitae), Labcorp
Classification: Likely benign for Epilepsy, progressive myoclonic, 1B. Last evaluated: 2025-06-18. Review status: criteria provided, single submitter. Criteria: Invitae Variant Classification Sherloc (09022015). Collection method: clinical testing. Allele origin: germline.

GeneDx
Classification: Likely benign. Last evaluated: 2017-06-20. Review status: criteria provided, single submitter. Criteria: GeneDx Variant Classification (06012015). Collection method: clinical testing. Allele origin: germline. Affected: yes.
Comment: This variant is considered likely benign or benign based on one or more of the following criteria: it is a conservative change, it occurs at a poorly conserved position in the protein, it is predicted to be benign by multiple in silico algorithms, and/or has population frequency not consistent with disease.

Dr. Peter K. Rogan Lab, Western University
No classification provided (evidence only). Condition: Thymoma. Review status: no classification provided. Collection method: in vitro. Allele origin: not applicable. Functional consequence: retained intron. Not counted in ClinVar's aggregate classification.